The following is an entry in ClinVar:

ClinVar aggregate classification (germline): Uncertain significance (1 of 4 stars; one submission).

Conditions:
Emery-Dreifuss muscular dystrophy 4, autosomal dominant (EDMD4). Also called: EMERY-DREIFUSS MUSCULAR DYSTROPHY 4 WITH VARIABLE FEATURES. Identifiers: Orphanet 261, MedGen C2751807, MONDO:0013071, OMIM 612998.
Autosomal recessive ataxia, Beauce type. Also called: SYNE1-Related Autosomal Recessive Cerebellar Ataxia; SYNE1 Deficiency; Spinocerebellar ataxia, autosomal recessive 8; ATAXIA, RECESSIVE, OF BEAUCE. Identifiers: Orphanet 88644, MedGen C1853116, MONDO:0012549, OMIM 610743.

Allele frequency attached by ClinVar (database versions not stated): gnomAD exomes below 0.00001.
gnomAD v4.1: 1 of 1,614,190 alleles (0.000062%); highest among the groups gnomAD compares: Non-Finnish European, 0.000085%; no homozygotes.

Submission:

Labcorp Genetics (formerly Invitae), Labcorp
Classification: Uncertain significance for Emery-Dreifuss muscular dystrophy 4, autosomal dominant; Autosomal recessive ataxia, Beauce type. Last evaluated: 2022-04-04. Review status: criteria provided, single submitter. Criteria: Invitae Variant Classification Sherloc (09022015). Collection method: clinical testing. Allele origin: germline.
Comment: This variant has not been reported in the literature in individuals affected with SYNE1-related conditions. This variant is not present in population databases (gnomAD no frequency). This sequence change replaces glutamine, which is neutral and polar, with arginine, which is basic and polar, at codon 6010 of the SYNE1 protein (p.Gln6010Arg). Algorithms developed to predict the effect of missense changes on protein structure and function (SIFT, PolyPhen-2, Align-GVGD) all suggest that this variant is likely to be disruptive. In summary, the available evidence is currently insufficient to determine the role of this variant in disease. Therefore, it has been classified as a Variant of Uncertain Significance.

NM_182961.4(SYNE1):c.18242A>G (p.Gln6081Arg)

Gene: SYNE1 (spectrin repeat containing nuclear envelope protein 1; minus strand). Cytogenetic location: 6q25.2.
Variant type: single nucleotide variant.
Coding change: c.18242A>G on transcript NM_182961.4 (MANE Select); coding-DNA position 18242, A replaced by G.
Protein change: p.Gln6081Arg; replaces glutamine 6081 with arginine.
Molecular consequence: missense variant.
Genome position (GRCh38, 1-based): chr6:152,281,946, T>C on the plus strand (A>G on the coding strand, the complement: SYNE1 is on the minus strand). VCF-style: chr6-152281946-T-C. GRCh37 (hg19) VCF-style: chr6-152603081-T-C.
Other names: c.18029A>G, p.Gln6010Arg (NM_033071.5); short protein forms Q6010R, Q6081R.
Identifiers: ClinVar variation 1927812 (VCV001927812.5), dbSNP rs2552002983, ClinGen allele CA366095785.